The following is an entry in ClinVar:

ClinVar aggregate classification (germline): Uncertain significance (1 of 4 stars; one submission).

Conditions:
Emery-Dreifuss muscular dystrophy 5, autosomal dominant (EDMD5). Also called: EMERY-DREIFUSS MUSCULAR DYSTROPHY 5. Identifiers: Orphanet 261, MedGen C2751805, MONDO:0013072, OMIM 612999.

Allele frequency attached by ClinVar (database versions not stated): gnomAD exomes below 0.00001 and 0.00001; TOPMed below 0.00001; gnomAD 0.00001; ExAC 0.00002.
gnomAD v4.1: 3 of 1,609,300 alleles (0.00019%); highest among the groups gnomAD compares: Admixed American, 0.0033%; no homozygotes.

Submission:

Labcorp Genetics (formerly Invitae), Labcorp
Classification: Uncertain significance for Emery-Dreifuss muscular dystrophy 5, autosomal dominant. Last evaluated: 2022-06-03. Review status: criteria provided, single submitter. Criteria: Invitae Variant Classification Sherloc (09022015). Collection method: clinical testing. Allele origin: germline.
Comment: This sequence change replaces serine, which is neutral and polar, with phenylalanine, which is neutral and non-polar, at codon 4655 of the SYNE2 protein (p.Ser4655Phe). This variant is present in population databases (rs758010581, gnomAD 0.006%). This variant has not been reported in the literature in individuals affected with SYNE2-related conditions. ClinVar contains an entry for this variant (Variation ID: 1403959). Algorithms developed to predict the effect of missense changes on protein structure and function are either unavailable or do not agree on the potential impact of this missense change (SIFT: "Deleterious"; PolyPhen-2: "Possibly Damaging"; Align-GVGD: "Class C0"). Algorithms developed to predict the effect of sequence changes on RNA splicing suggest that this variant may disrupt the consensus splice site. In summary, the available evidence is currently insufficient to determine the role of this variant in disease. Therefore, it has been classified as a Variant of Uncertain Significance.

NM_182914.3(SYNE2):c.13964C>T (p.Ser4655Phe)

Gene: SYNE2 (spectrin repeat containing nuclear envelope protein 2; plus strand). Cytogenetic location: 14q23.2.
Variant type: single nucleotide variant.
Coding change: c.13964C>T on transcript NM_182914.3 (MANE Select); coding-DNA position 13964, C replaced by T.
Protein change: p.Ser4655Phe; replaces serine 4655 with phenylalanine.
Molecular consequence: missense variant.
Genome position (GRCh38, 1-based): chr14:64,128,498, C>T. VCF-style: chr14-64128498-C-T. GRCh37 (hg19) VCF-style: chr14-64595216-C-T.
Other names: c.13964C>T, p.Ser4655Phe (NM_015180.6); short protein forms S4655F.
Identifiers: ClinVar variation 1403959 (VCV001403959.6), dbSNP rs758010581, ClinGen allele CA7222626.